The following is an entry in ClinVar:

ClinVar aggregate classification (germline): Uncertain significance (1 of 4 stars; one submission).

gnomAD v4.1: 7 of 1,557,084 alleles (0.00045%); highest among the groups gnomAD compares: Non-Finnish European, 0.00052%; no homozygotes.

Submission:

Labcorp Genetics (formerly Invitae), Labcorp
Classification: Uncertain significance. Last evaluated: 2025-04-28. Review status: criteria provided, single submitter. Criteria: Invitae Variant Classification Sherloc (09022015). Collection method: clinical testing. Allele origin: germline.
Comment: This sequence change replaces serine, which is neutral and polar, with leucine, which is neutral and non-polar, at codon 4 of the CHRNA7 protein (p.Ser4Leu). The frequency data for this variant in the population databases is considered unreliable, as metrics indicate poor data quality at this position in the gnomAD database. This variant has not been reported in the literature in individuals affected with CHRNA7-related conditions. An algorithm developed to predict the effect of missense changes on protein structure and function outputs the following: PolyPhen-2: "Benign". The leucine amino acid residue is found in multiple mammalian species, which suggests that this missense change does not adversely affect protein function. In summary, the available evidence is currently insufficient to determine the role of this variant in disease. Therefore, it has been classified as a Variant of Uncertain Significance.

NM_000746.6(CHRNA7):c.11C>T (p.Ser4Leu)

Gene: CHRNA7 (cholinergic receptor nicotinic alpha 7 subunit). Cytogenetic location: 15q13.3.
Variant type: single nucleotide variant.
Coding change: c.11C>T on transcript NM_000746.6 (MANE Select); coding-DNA position 11, C replaced by T.
Protein change: p.Ser4Leu; replaces serine 4 with leucine.
Molecular consequence: missense variant. On other transcripts: non-coding transcript variant (1).
Genome position (GRCh38, 1-based): chr15:32,030,605, C>T. VCF-style: chr15-32030605-C-T. GRCh37 (hg19) VCF-style: chr15-32322808-C-T.
Other names: c.11C>T, p.Ser4Leu (NM_001190455.3); short protein forms S4L.
Identifiers: ClinVar variation 4694456 (VCV004694456.1).